The following is an entry in ClinVar:

NM_001267550.2(TTN):c.59627-1G>C

Genes: TTN (titin; minus strand), TTN-AS1 (TTN antisense RNA 1; plus strand), LOC126806424 (CDK7 strongly-dependent group 2 enhancer GRCh37_chr2:179456337-179457536; plus strand). Cytogenetic location: 2q31.2.
Variant type: single nucleotide variant.
Coding change: c.59627-1G>C on transcript NM_001267550.2 (MANE Select); the canonical splice acceptor site of the intron before coding-DNA position 59627, G replaced by C.
Molecular consequence: splice acceptor variant.
Genome position (GRCh38, 1-based): chr2:178,592,278, C>G on the plus strand (G>C on the coding strand, the complement: TTN is on the minus strand). VCF-style: chr2-178592278-C-G. GRCh37 (hg19) VCF-style: chr2-179457005-C-G.
Other names: c.32432-1G>C (NM_003319.4); c.33008-1G>C (NM_133437.4); c.32807-1G>C (NM_133432.3); c.51923-1G>C (NM_133378.4); c.54704-1G>C (NM_001256850.1).
Identifiers: ClinVar variation 3894862 (VCV003894862.2).
Genomic context (GRCh38, chr2:178,592,278, plus strand): 5'-GGTAACATGAATCTTTCCTAATTTCACTGACTTCCAGATCTCTAGGTGGCCCAGGTTTAT[C>G]TAAAAAGTGTTAAATAACAGTTTGATAAGTAATTTTATCCATATAAGAGCTCAAAATTAT-3'

ClinVar aggregate classification (germline): Likely pathogenic. Review status: criteria provided, multiple submitters, no conflicts (2 of 4 stars). 2 submissions from 2 submitters: Likely pathogenic (2). Last evaluated 2024-12-13.

Conditions:
Cardiovascular phenotype. Identifiers: MedGen CN230736.
TTN-related disorder. Also called: TTN-related condition; TTN-related disease; TTN-related disorders.

Submissions (2):

Molecular Diagnostic Laboratory for Inherited Cardiovascular Disease, Montreal Heart Institute
Classification: Likely pathogenic for Cardiovascular phenotype. Last evaluated: 2024-12-13. Review status: criteria provided, single submitter. Criteria: ACMG Guidelines, 2015. Collection method: clinical testing. Allele origin: germline. Affected: yes.
Comment: PVS1_strong, PM2

Blueprint Genetics
Classification: Likely pathogenic for TTN-related disorders. Last evaluated: 2022-01-28. Review status: criteria provided, single submitter. Criteria: ACMG Guidelines, 2015. Collection method: clinical testing. Allele origin: germline. Affected: yes. Observed: 2 variant alleles.